The following is an entry in ClinVar:

ClinVar aggregate classification (germline): Uncertain significance (1 of 4 stars; one submission).

gnomAD v4.1: 2 of 1,497,530 alleles (0.00013%); highest among the groups gnomAD compares: African/African-American, 0.0015%; no homozygotes.

Submission:

Labcorp Genetics (formerly Invitae), Labcorp
Classification: Uncertain significance. Last evaluated: 2024-10-10. Review status: criteria provided, single submitter. Criteria: Invitae Variant Classification Sherloc (09022015). Collection method: clinical testing. Allele origin: germline.
Comment: This sequence change replaces glutamic acid, which is acidic and polar, with lysine, which is basic and polar, at codon 1109 of the GRIN2D protein (p.Glu1109Lys). This variant is not present in population databases (gnomAD no frequency). This variant has not been reported in the literature in individuals affected with GRIN2D-related conditions. Invitae Evidence Modeling of protein sequence and biophysical properties (such as structural, functional, and spatial information, amino acid conservation, physicochemical variation, residue mobility, and thermodynamic stability) indicates that this missense variant is not expected to disrupt GRIN2D protein function with a negative predictive value of 95%. In summary, the available evidence is currently insufficient to determine the role of this variant in disease. Therefore, it has been classified as a Variant of Uncertain Significance.

NM_000836.4(GRIN2D):c.3325G>A (p.Glu1109Lys)

Gene: GRIN2D (glutamate ionotropic receptor NMDA type subunit 2D; plus strand). Cytogenetic location: 19q13.33.
Variant type: single nucleotide variant.
Coding change: c.3325G>A on transcript NM_000836.4 (MANE Select); coding-DNA position 3325, G replaced by A.
Protein change: p.Glu1109Lys; replaces glutamic acid 1109 with lysine.
Molecular consequence: missense variant.
Genome position (GRCh38, 1-based): chr19:48,443,251, G>A. VCF-style: chr19-48443251-G-A. GRCh37 (hg19) VCF-style: chr19-48946508-G-A.
Other names: short protein forms E1109K.
Identifiers: ClinVar variation 3683732 (VCV003683732.2).